The following is an entry in ClinVar:

ClinVar aggregate classification (germline): Uncertain significance (1 of 4 stars; one submission).

gnomAD v4.1: 4 of 1,613,984 alleles (0.00025%); highest among the groups gnomAD compares: Non-Finnish European, 0.00025%; no homozygotes.

Submission:

Labcorp Genetics (formerly Invitae), Labcorp
Classification: Uncertain significance. Last evaluated: 2024-06-20. Review status: criteria provided, single submitter. Criteria: Invitae Variant Classification Sherloc (09022015). Collection method: clinical testing. Allele origin: germline.
Comment: This sequence change creates a premature translational stop signal (p.Tyr24*) in the DDX58 gene. It is expected to result in an absent or disrupted protein product. However, the current clinical and genetic evidence is not sufficient to establish whether loss-of-function variants in DDX58 cause disease. The frequency data for this variant in the population databases is considered unreliable, as metrics indicate poor data quality at this position in the gnomAD database. This variant has not been reported in the literature in individuals affected with DDX58-related conditions. ClinVar contains an entry for this variant (Variation ID: 1502409). Algorithms developed to predict the effect of sequence changes on RNA splicing suggest that this variant may disrupt the consensus splice site. In summary, the available evidence is currently insufficient to determine the role of this variant in disease. Therefore, it has been classified as a Variant of Uncertain Significance.

NM_014314.4(RIGI):c.72C>A (p.Tyr24Ter)

Gene: RIGI (RNA sensor RIG-I; minus strand). Cytogenetic location: 9p21.1.
Variant type: single nucleotide variant.
Coding change: c.72C>A on transcript NM_014314.4 (MANE Select); coding-DNA position 72, C replaced by A.
Protein change: p.Tyr24Ter; replaces tyrosine 24 with a stop codon.
Molecular consequence: nonsense. On other transcripts: 5 prime UTR variant (3).
Genome position (GRCh38, 1-based): chr9:32,526,095, G>T on the plus strand (C>A on the coding strand, the complement: RIGI is on the minus strand). VCF-style: chr9-32526095-G-T. GRCh37 (hg19) VCF-style: chr9-32526093-G-T.
Other names: c.72C>A, p.Tyr24Ter (NM_001385907.1, NM_001385909.1, NM_001385913.1); c.-383C>A (NM_001385910.1, NM_001385914.1); c.-390C>A (NM_001385912.1); short protein forms Y24*.
Identifiers: ClinVar variation 1502409 (VCV001502409.4), dbSNP rs772728949, ClinGen allele CA5020190.